The following is an entry in ClinVar:

NM_002691.4(POLD1):c.1032G>C (p.Trp344Cys)

Gene: POLD1 (DNA polymerase delta 1, catalytic subunit; plus strand). Cytogenetic location: 19q13.33.
Variant type: single nucleotide variant.
Coding change: c.1032G>C on transcript NM_002691.4 (MANE Select); coding-DNA position 1032, G replaced by C.
Protein change: p.Trp344Cys; replaces tryptophan 344 with cysteine.
Molecular consequence: missense variant. On other transcripts: non-coding transcript variant (1).
Genome position (GRCh38, 1-based): chr19:50,403,114, G>C. VCF-style: chr19-50403114-G-C. GRCh37 (hg19) VCF-style: chr19-50906371-G-C.
Other names: c.1032G>C, p.Trp344Cys (NM_001256849.1, NM_001308632.1); short protein forms W344C.
Identifiers: ClinVar variation 935880 (VCV000935880.10), dbSNP rs538046428, ClinGen allele CA309601309.

ClinVar aggregate classification (germline): Uncertain significance. Review status: criteria provided, multiple submitters, no conflicts (2 of 4 stars). 2 submissions from 2 submitters: Uncertain significance (2). Last evaluated 2025-05-24.

Conditions:
Hereditary cancer-predisposing syndrome. Also called: Hereditary neoplastic syndrome; Tumor predisposition; Neoplastic Syndromes, Hereditary; Hereditary Cancer Syndrome. Identifiers: Orphanet 140162, MedGen C0027672, MeSH D009386, MONDO:0015356.
POLD1-related polyposis and colorectal cancer syndrome (CRCS10). Also called: Colorectal cancer 10; COLORECTAL CANCER, SUSCEPTIBILITY TO, ON CHROMOSOME 19q; Colorectal cancer, susceptibility to, 10. Identifiers: Orphanet 220460, MedGen C2675481, MONDO:0012953, OMIM 612591.

Allele frequency attached by ClinVar (database versions not stated): gnomAD exomes below 0.00001 and 0.00001; gnomAD 0.00001; 1000 Genomes Project 30x 0.00016; 1000 Genomes Project 0.00020.
gnomAD v4.1: 4 of 1,564,190 alleles (0.00026%); highest among the groups gnomAD compares: East Asian, 0.0024%; no homozygotes.

Submissions (2):

Ambry Genetics
Classification: Uncertain significance for Hereditary cancer-predisposing syndrome. Last evaluated: 2025-05-24. Review status: criteria provided, single submitter. Criteria: Ambry Variant Classification Scheme 2023. Collection method: clinical testing. Allele origin: germline.
Comment: The p.W344C variant (also known as c.1032G>C), located in coding exon 8 of the POLD1 gene, results from a G to C substitution at nucleotide position 1032. The tryptophan at codon 344 is replaced by cysteine, an amino acid with highly dissimilar properties. This amino acid position is poorly conserved in available vertebrate species. In addition, this alteration is predicted to be tolerated by in silico analysis. Since supporting evidence is limited at this time, the clinical significance of this alteration remains unclear.

Labcorp Genetics (formerly Invitae), Labcorp
Classification: Uncertain significance for POLD1-related polyposis and colorectal cancer syndrome. Last evaluated: 2025-01-30. Review status: criteria provided, single submitter. Criteria: Invitae Variant Classification Sherloc (09022015). Collection method: clinical testing. Allele origin: germline.
Comment: This sequence change replaces tryptophan, which is neutral and slightly polar, with cysteine, which is neutral and slightly polar, at codon 344 of the POLD1 protein (p.Trp344Cys). The frequency data for this variant in the population databases is considered unreliable, as metrics indicate poor data quality at this position in the gnomAD database. This variant has not been reported in the literature in individuals affected with POLD1-related conditions. ClinVar contains an entry for this variant (Variation ID: 935880). Invitae Evidence Modeling of protein sequence and biophysical properties (such as structural, functional, and spatial information, amino acid conservation, physicochemical variation, residue mobility, and thermodynamic stability) indicates that this missense variant is not expected to disrupt POLD1 protein function with a negative predictive value of 80%. In summary, the available evidence is currently insufficient to determine the role of this variant in disease. Therefore, it has been classified as a Variant of Uncertain Significance.